The following is an entry in ClinVar:

ClinVar aggregate classification (germline): Pathogenic. Review status: criteria provided, multiple submitters, no conflicts (2 of 4 stars). 2 submissions from 2 submitters: Pathogenic (2). Last evaluated 2025-06-18.

Conditions:
Osteogenesis imperfecta type I (OI1). Also called: OI, TYPE I; OSTEOGENESIS IMPERFECTA TARDA; OSTEOGENESIS IMPERFECTA WITH BLUE SCLERAE; Osteogenesis imperfecta type 1; Lobstein's Disease; Lobstein disease. Identifiers: Orphanet 216796, Orphanet 666, MedGen C0023931, MONDO:0008146, OMIM 166200. Disease mechanism: loss of function.

Submissions (2):

Clinical Biomedical Laboratory, Shriners Hospital For Children - Canada
Classification: Pathogenic for Osteogenesis imperfecta type I. Last evaluated: 2025-06-18. Review status: criteria provided, single submitter. Criteria: ACMG Guidelines, 2015. Collection method: clinical testing. Allele origin: germline. Affected: yes.
Comment: This variant is predicted to substitute a leucine residue by a serine residue, introduce a frameshift resulting in an premature stop codon 84 amino acids downstream. This is expected to lead to degradation of the affected mRNA transcript. Variants introducing premature termination codons are a typical cause of osteogenesis imperfecta type I. This variant is absent from the Genome Aggregation Database (v.2.1.1), indicating it is rare.

Labcorp Genetics (formerly Invitae), Labcorp
Classification: Pathogenic for Osteogenesis imperfecta type I. Last evaluated: 2023-01-18. Review status: criteria provided, single submitter. Criteria: Invitae Variant Classification Sherloc (09022015). Collection method: clinical testing. Allele origin: germline.
Comment: For these reasons, this variant has been classified as Pathogenic. This variant has not been reported in the literature in individuals affected with COL1A1-related conditions. This variant is not present in population databases (gnomAD no frequency). This sequence change creates a premature translational stop signal (p.Leu1155Serfs*84) in the COL1A1 gene. It is expected to result in an absent or disrupted protein product. Loss-of-function variants in COL1A1 are known to be pathogenic (PMID: 7942841, 9295084, 9443882).

Literature cited by the submitters: PubMed 7942841 (cited by Labcorp Genetics (formerly Invitae), Labcorp); PubMed 9295084 (cited by Labcorp Genetics (formerly Invitae), Labcorp); PubMed 9443882 (cited by Labcorp Genetics (formerly Invitae), Labcorp).

NM_000088.4(COL1A1):c.3463del (p.Leu1155fs)

Gene: COL1A1 (collagen type I alpha 1 chain; minus strand). Cytogenetic location: 17q21.33.
Variant type: Deletion.
Coding change: c.3463del on transcript NM_000088.4 (MANE Select); coding-DNA position 3463, one base deleted (C; older notation c.3463delC).
Protein change: p.Leu1155fs; shifts the reading frame from leucine 1155.
Molecular consequence: frameshift variant.
Genome position (GRCh38, 1-based): chr17:50,187,083, G deleted on the plus strand (C on the coding strand, the reverse complement: COL1A1 is on the minus strand). VCF-style (leftmost placement, unchanged base first): chr17-50187082-AG-A. GRCh37 (hg19) VCF-style: chr17-48264443-AG-A.
Other names: short protein forms L1155fs.
Identifiers: ClinVar variation 2829942 (VCV002829942.4), dbSNP rs2509166957, ClinGen allele CA2739268220.